The following is an entry in ClinVar:

ClinVar aggregate classification (germline): Benign/Likely benign. Review status: criteria provided, multiple submitters, no conflicts (2 of 4 stars). 6 submissions from 6 submitters: Benign (5); Likely benign (1). Last evaluated 2026-02-02.

Conditions:
Granulomatous disease, chronic, autosomal recessive, cytochrome b-positive, type 2. Also called: GRANULOMATOUS DISEASE, CHRONIC, AUTOSOMAL RECESSIVE, 2; GRANULOMATOUS DISEASE, CHRONIC, DUE TO NCF2 DEFICIENCY; Chronic granulomatous disease due to deficiency of NCF-2; Chronic Granulomatous Disease, Autosomal Recessive, Cytochrome b-Positive, Type II; CGD, AUTOSOMAL RECESSIVE CYTOCHROME b-POSITIVE, TYPE II. Identifiers: Orphanet 379, MedGen C1856245, MONDO:0009310, OMIM 233710.

Allele frequency attached by ClinVar (database versions not stated): gnomAD exomes 0.00117 and 0.00311; ExAC 0.00372; gnomAD 0.01201 and 0.01284; ESP Exome Variant Server 0.01307; 1000 Genomes Project 0.01358; TOPMed 0.01369; 1000 Genomes Project 30x 0.01530.
gnomAD v4.1: 3,619 of 1,614,150 alleles (0.22%); highest among the groups gnomAD compares: African/African-American, 4.2%; 52 homozygotes.

Submissions (6):

Labcorp Genetics (formerly Invitae), Labcorp
Classification: Benign for Granulomatous disease, chronic, autosomal recessive, cytochrome b-positive, type 2. Last evaluated: 2026-02-02. Review status: criteria provided, single submitter. Criteria: Invitae Variant Classification Sherloc (09022015). Collection method: clinical testing. Allele origin: germline.

Women's Health and Genetics/Laboratory Corporation of America, LabCorp
Classification: Likely benign. Last evaluated: 2022-05-03. Review status: criteria provided, single submitter. Criteria: LabCorp Variant Classification Summary - May 2015. Collection method: clinical testing. Allele origin: germline.

Illumina Laboratory Services, Illumina
Classification: Benign for Granulomatous disease, chronic, autosomal recessive, cytochrome b-positive, type 2. Last evaluated: 2018-01-12. Review status: criteria provided, single submitter. Criteria: ICSL Variant Classification Criteria 13 December 2019. Collection method: clinical testing. Allele origin: germline.
Comment: This variant was observed in the ICSL laboratory as part of a predisposition screen in an ostensibly healthy population. It had not been previously curated by ICSL or reported in the Human Gene Mutation Database (HGMD: prior to June 1st, 2018), and was therefore a candidate for classification through an automated scoring system. Utilizing variant allele frequency, disease prevalence and penetrance estimates, and inheritance mode, an automated score was calculated to assess if this variant is too frequent to cause the disease. Based on the score and internal cut-off values, a variant classified as benign is not then subjected to further curation. The score for this variant resulted in a classification of benign for this disease.

GeneDx
Classification: Benign. Last evaluated: 2017-04-10. Review status: criteria provided, single submitter. Criteria: GeneDx Variant Classification (06012015). Collection method: clinical testing. Allele origin: germline. Affected: yes.
Comment: This variant is considered likely benign or benign based on one or more of the following criteria: it is a conservative change, it occurs at a poorly conserved position in the protein, it is predicted to be benign by multiple in silico algorithms, and/or has population frequency not consistent with disease.

Eurofins Ntd Llc (ga)
Classification: Benign. Last evaluated: 2015-06-15. Review status: criteria provided, single submitter. Criteria: EGL Classification Definitions 2015. Collection method: clinical testing. Allele origin: germline. Observed: 1 variant allele, 1 heterozygote.

Breakthrough Genomics
Classification: Benign. Review status: criteria provided, single submitter. Criteria: ACMG Guidelines, 2015. Collection method: not provided. Allele origin: germline. Inheritance: Autosomal recessive inheritance. Affected: yes.

NM_000433.4(NCF2):c.890T>C (p.Val297Ala)

Gene: NCF2 (neutrophil cytosolic factor 2; minus strand). Cytogenetic location: 1q25.3.
Variant type: single nucleotide variant.
Coding change: c.890T>C on transcript NM_000433.4 (MANE Select); coding-DNA position 890, T replaced by C.
Protein change: p.Val297Ala; replaces valine 297 with alanine.
Molecular consequence: missense variant.
Genome position (GRCh38, 1-based): chr1:183,566,954, A>G on the plus strand (T>C on the coding strand, the complement: NCF2 is on the minus strand). VCF-style: chr1-183566954-A-G. GRCh37 (hg19) VCF-style: chr1-183536089-A-G.
Other names: c.890T>C, p.Val297Ala (NM_001127651.3); c.647T>C, p.Val216Ala (NM_001190789.2); c.755T>C, p.Val252Ala (NM_001190794.2); short protein forms V297A, V216A, V252A.
Identifiers: ClinVar variation 281319 (VCV000281319.21), dbSNP rs35937854, ClinGen allele CA1284767.